The following is an entry in ClinVar:

ClinVar aggregate classification (germline): Uncertain significance (1 of 4 stars; one submission).

Submission:

GeneDx
Classification: Uncertain significance. Last evaluated: 2022-07-07. Review status: criteria provided, single submitter. Criteria: GeneDx Variant Classification Process June 2021. Collection method: clinical testing. Allele origin: germline. Affected: yes.
Comment: Not observed at significant frequency in large population cohorts (gnomAD); In silico analysis supports that this missense variant does not alter protein structure/function; Has not been previously published as pathogenic or benign to our knowledge

NM_001134673.4(NFIA):c.634G>A (p.Gly212Ser)

Gene: NFIA (nuclear factor I A; plus strand). Cytogenetic location: 1p31.3.
Variant type: single nucleotide variant.
Coding change: c.634G>A on transcript NM_001134673.4 (MANE Select); coding-DNA position 634, G replaced by A.
Protein change: p.Gly212Ser; replaces glycine 212 with serine.
Molecular consequence: missense variant.
Genome position (GRCh38, 1-based): chr1:61,332,520, G>A. VCF-style: chr1-61332520-G-A. GRCh37 (hg19) VCF-style: chr1-61798192-G-A.
Other names: c.610G>A, p.Gly204Ser (NM_001145511.2); c.769G>A, p.Gly257Ser (NM_001145512.2); c.634G>A, p.Gly212Ser (NM_005595.5); short protein forms G204S, G212S, G257S.
Identifiers: ClinVar variation 1810733 (VCV001810733.1), dbSNP rs2525031443, ClinGen allele CA340588328.